The following is an entry in ClinVar:

ClinVar aggregate classification (germline): Uncertain significance (1 of 4 stars; one submission).

Conditions:
Spastic paraplegia. Identifiers: MedGen C0037772, HP:0001258.
Combined oxidative phosphorylation defect type 7. Identifiers: Orphanet 254930, MedGen C3150801, MONDO:0013306, OMIM 613559.

Allele frequency attached by ClinVar (database versions not stated): gnomAD exomes below 0.00001; ExAC 0.00001.
gnomAD v4.1: 1 of 1,613,906 alleles (0.000062%); highest among the groups gnomAD compares: South Asian, 0.0011%; no homozygotes.

Submission:

Labcorp Genetics (formerly Invitae), Labcorp
Classification: Uncertain significance for Combined oxidative phosphorylation defect type 7; Spastic paraplegia. Last evaluated: 2023-12-07. Review status: criteria provided, single submitter. Criteria: Invitae Variant Classification Sherloc (09022015). Collection method: clinical testing. Allele origin: germline.
Comment: This sequence change replaces valine, which is neutral and non-polar, with isoleucine, which is neutral and non-polar, at codon 116 of the C12orf65 protein (p.Val116Ile). This variant is present in population databases (rs764248299, gnomAD 0.003%). This variant has not been reported in the literature in individuals affected with C12orf65-related conditions. ClinVar contains an entry for this variant (Variation ID: 2002452). An algorithm developed to predict the effect of missense changes on protein structure and function (PolyPhen-2) suggests that this variant is likely to be disruptive. In summary, the available evidence is currently insufficient to determine the role of this variant in disease. Therefore, it has been classified as a Variant of Uncertain Significance.

NM_152269.5(MTRFR):c.346G>A (p.Val116Ile)

Gene: MTRFR (mitochondrial translation release factor in rescue; plus strand). Cytogenetic location: 12q24.31.
Variant type: single nucleotide variant.
Coding change: c.346G>A on transcript NM_152269.5 (MANE Select); coding-DNA position 346, G replaced by A.
Protein change: p.Val116Ile; replaces valine 116 with isoleucine.
Molecular consequence: missense variant.
Genome position (GRCh38, 1-based): chr12:123,256,876, G>A. VCF-style: chr12-123256876-G-A. GRCh37 (hg19) VCF-style: chr12-123741423-G-A.
Other names: c.346G>A, p.Val116Ile (NM_001143905.2, NM_001194995.1); short protein forms V116I.
Identifiers: ClinVar variation 2002452 (VCV002002452.4), dbSNP rs764248299, ClinGen allele CA6856588.